The following is an entry in ClinVar:

NM_130468.4(CHST14):c.764G>C (p.Gly255Ala)

Gene: CHST14 (carbohydrate sulfotransferase 14; plus strand). Cytogenetic location: 15q15.1.
Variant type: single nucleotide variant.
Coding change: c.764G>C on transcript NM_130468.4 (MANE Select); coding-DNA position 764, G replaced by C.
Protein change: p.Gly255Ala; replaces glycine 255 with alanine.
Molecular consequence: missense variant.
Genome position (GRCh38, 1-based): chr15:40,471,977, G>C. VCF-style: chr15-40471977-G-C. GRCh37 (hg19) VCF-style: chr15-40764176-G-C.
Other names: short protein forms G255A.
Identifiers: ClinVar variation 1759974 (VCV001759974.2), dbSNP rs2543006384, ClinGen allele CA391766940.

ClinVar aggregate classification (germline): Uncertain significance (1 of 4 stars; one submission).

Conditions:
Cardiovascular phenotype. Identifiers: MedGen CN230736.

Submission:

Ambry Genetics
Classification: Uncertain significance for Cardiovascular phenotype. Last evaluated: 2021-10-13. Review status: criteria provided, single submitter. Criteria: Ambry Variant Classification Scheme 2023. Collection method: clinical testing. Allele origin: germline.
Comment: The p.G255A variant (also known as c.764G>C), located in coding exon 1 of the CHST14 gene, results from a G to C substitution at nucleotide position 764. The glycine at codon 255 is replaced by alanine, an amino acid with similar properties. This amino acid position is conserved. In addition, the in silico prediction for this alteration is inconclusive. Since supporting evidence is limited at this time, the clinical significance of this alteration remains unclear.